The following is an entry in ClinVar:

NM_000245.4(MET):c.2887+9T>C

Gene: MET (MET proto-oncogene, receptor tyrosine kinase; plus strand). Cytogenetic location: 7q31.2.
Variant type: single nucleotide variant.
Coding change: c.2887+9T>C on transcript NM_000245.4 (MANE Select); 9 bases into the intron after coding-DNA position 2887, T replaced by C.
Molecular consequence: intron variant.
Genome position (GRCh38, 1-based): chr7:116,771,663, T>C. VCF-style: chr7-116771663-T-C. GRCh37 (hg19) VCF-style: chr7-116411717-T-C.
Other names: c.2941+9T>C (NM_001127500.3); c.1597+9T>C (NM_001324402.2).
Identifiers: ClinVar variation 1990560 (VCV001990560.5), dbSNP rs1180319732, ClinGen allele CA577680515.

ClinVar aggregate classification (germline): Likely benign. Review status: criteria provided, multiple submitters, no conflicts (2 of 4 stars). 2 submissions from 2 submitters: Likely benign (2). Last evaluated 2024-11-12.

Conditions:
Renal cell carcinoma. Identifiers: Orphanet 217071, MedGen C0007134, MeSH D002292, MONDO:0005086, HP:0005584.
Papillary renal cell carcinoma type 1 (RCCP1). Also called: Renal adenocarcinoma; Renal cell carcinoma 1; Renal cell carcinoma, somatic; RENAL CELL CARCINOMA, PAPILLARY, 1, SOMATIC. Identifiers: Orphanet 47044, MedGen C1336839, OMIM 605074, HP:0011797.

Allele frequency attached by ClinVar (database versions not stated): gnomAD exomes 0.00001.
gnomAD v4.1: 10 of 1,613,586 alleles (0.00062%); highest among the groups gnomAD compares: Non-Finnish European, 0.00076%; no homozygotes.

Submissions (2):

Myriad Genetics, Inc.
Classification: Likely benign for Papillary renal cell carcinoma type 1. Last evaluated: 2024-11-12. Review status: criteria provided, single submitter. Criteria: Myriad Autosomal Dominant, Autosomal Recessive and X-Linked Classification Criteria (2023). Collection method: clinical testing. Allele origin: unknown.
Comment: This variant is considered likely benign. This variant is intronic and is not expected to impact mRNA splicing.

Labcorp Genetics (formerly Invitae), Labcorp
Classification: Likely benign for Renal cell carcinoma. Last evaluated: 2023-05-01. Review status: criteria provided, single submitter. Criteria: Invitae Variant Classification Sherloc (09022015). Collection method: clinical testing. Allele origin: germline.